The following is an entry in ClinVar:

NM_001393586.1(MYO7B):c.3580G>A (p.Glu1194Lys)

Gene: MYO7B (myosin VIIB; plus strand). Cytogenetic location: 2q14.3.
Variant type: single nucleotide variant.
Coding change: c.3580G>A on transcript NM_001393586.1 (MANE Select); coding-DNA position 3580, G replaced by A.
Protein change: p.Glu1194Lys; replaces glutamic acid 1194 with lysine.
Molecular consequence: missense variant.
Genome position (GRCh38, 1-based): chr2:127,622,036, G>A. VCF-style: chr2-127622036-G-A. GRCh37 (hg19) VCF-style: chr2-128379611-G-A.
Other names: c.3502G>A, p.Glu1168Lys (NM_001080527.2); c.61G>A, p.Glu21Lys (NM_001393594.1); short protein forms E1168K, E1194K, E21K.
Identifiers: ClinVar variation 3039972 (VCV003039972.2), dbSNP rs142561271, ClinGen allele CA1861490.

ClinVar aggregate classification (germline): Likely benign (0 of 4 stars; one submission).

Conditions:
MYO7B-related disorder. Also called: MYO7B-related condition.

Allele frequency attached by ClinVar (database versions not stated): ExAC 0.00041; ESP Exome Variant Server 0.00111; 1000 Genomes Project 0.00140; TOPMed 0.00217; 1000 Genomes Project 30x 0.00250.
gnomAD v4.1: 554 of 1,551,730 alleles (0.036%); highest among the groups gnomAD compares: African/African-American, 0.64%; 3 homozygotes.

Submission:

PreventionGenetics, part of Exact Sciences
Classification: Likely benign for MYO7B-related condition. Last evaluated: 2019-04-11. Review status: no assertion criteria provided. Collection method: clinical testing. Allele origin: germline.
Comment: This variant is classified as likely benign based on ACMG/AMP sequence variant interpretation guidelines (Richards et al. 2015 PMID: 25741868, with internal and published modifications).